The following is an entry in ClinVar:

ClinVar aggregate classification (germline): Pathogenic (1 of 4 stars; one submission).

Submission:

Labcorp Genetics (formerly Invitae), Labcorp
Classification: Pathogenic. Last evaluated: 2024-02-24. Review status: criteria provided, single submitter. Criteria: Invitae Variant Classification Sherloc (09022015). Collection method: clinical testing. Allele origin: germline.
Comment: This sequence change creates a premature translational stop signal (p.Tyr881Ilefs*56) in the TTLL5 gene. It is expected to result in an absent or disrupted protein product. Loss-of-function variants in TTLL5 are known to be pathogenic (PMID: 24791901, 27162334). This variant is not present in population databases (gnomAD no frequency). This variant has not been reported in the literature in individuals affected with TTLL5-related conditions. ClinVar contains an entry for this variant (Variation ID: 1454621). For these reasons, this variant has been classified as Pathogenic.

Literature cited by the submitters: PubMed 24791901; PubMed 27162334.

NM_015072.5(TTLL5):c.2641del (p.Tyr881fs)

Gene: TTLL5 (tubulin tyrosine ligase like 5; plus strand). Cytogenetic location: 14q24.3.
Variant type: Deletion.
Coding change: c.2641del on transcript NM_015072.5 (MANE Select); coding-DNA position 2641, one base deleted (T; older notation c.2641delT).
Protein change: p.Tyr881fs; shifts the reading frame from tyrosine 881.
Molecular consequence: frameshift variant.
Genome position (GRCh38, 1-based): chr14:75,783,185, T deleted; the last of 3 consecutive T bases (chr14:75,783,183-75,783,185); deleting any one gives the same sequence. VCF-style (leftmost placement, unchanged base first): chr14-75783182-GT-G. GRCh37 (hg19) VCF-style: chr14-76249525-GT-G.
Other names: short protein forms Y881fs.
Identifiers: ClinVar variation 1454621 (VCV001454621.6), dbSNP rs2140331365, ClinGen allele CA2573150221.